The following is an entry in ClinVar:

ClinVar aggregate classification (germline): Uncertain significance. Review status: criteria provided, multiple submitters, no conflicts (2 of 4 stars). 2 submissions from 2 submitters: Uncertain significance (2). Last evaluated 2025-03-26.

Conditions:
Hereditary cancer-predisposing syndrome. Also called: Hereditary neoplastic syndrome; Neoplastic Syndromes, Hereditary; Tumor predisposition; Hereditary Cancer Syndrome. Identifiers: Orphanet 140162, MedGen C0027672, MeSH D009386, MONDO:0015356.
Hereditary diffuse gastric adenocarcinoma (HDGC). Also called: DIFFUSE GASTRIC AND LOBULAR BREAST CANCER SYNDROME. Identifiers: Orphanet 26106, MedGen C1708349, MONDO:0007648, OMIM 137215.

Submissions (2):

Ambry Genetics
Classification: Uncertain significance for Hereditary cancer-predisposing syndrome. Last evaluated: 2025-03-26. Review status: criteria provided, single submitter. Criteria: Ambry Variant Classification Scheme 2023. Collection method: clinical testing. Allele origin: germline.
Comment: The p.L533P variant (also known as c.1598T>C), located in coding exon 11 of the CDH1 gene, results from a T to C substitution at nucleotide position 1598. The leucine at codon 533 is replaced by proline, an amino acid with similar properties. This amino acid position is conserved. In addition, this alteration is predicted to be deleterious by in silico analysis. Based on the available evidence, the clinical significance of this variant remains unclear.

Labcorp Genetics (formerly Invitae), Labcorp
Classification: Uncertain significance for Hereditary diffuse gastric adenocarcinoma. Last evaluated: 2020-08-03. Review status: criteria provided, single submitter. Criteria: Invitae Variant Classification Sherloc (09022015). Collection method: clinical testing. Allele origin: germline.
Comment: In summary, the available evidence is currently insufficient to determine the role of this variant in disease. Therefore, it has been classified as a Variant of Uncertain Significance. Algorithms developed to predict the effect of missense changes on protein structure and function (SIFT, PolyPhen-2, Align-GVGD) all suggest that this variant is likely to be disruptive, but these predictions have not been confirmed by published functional studies and their clinical significance is uncertain. This variant has not been reported in the literature in individuals with CDH1-related conditions. This variant is not present in population databases (ExAC no frequency). This sequence change replaces leucine with proline at codon 533 of the CDH1 protein (p.Leu533Pro). The leucine residue is highly conserved and there is a moderate physicochemical difference between leucine and proline.

NM_004360.5(CDH1):c.1598T>C (p.Leu533Pro)

Gene: CDH1 (cadherin 1; plus strand). Cytogenetic location: 16q22.1.
Variant type: single nucleotide variant.
Coding change: c.1598T>C on transcript NM_004360.5 (MANE Select); coding-DNA position 1598, T replaced by C.
Protein change: p.Leu533Pro; replaces leucine 533 with proline.
Molecular consequence: missense variant. On other transcripts: intron variant (1).
Genome position (GRCh38, 1-based): chr16:68,819,312, T>C. VCF-style: chr16-68819312-T-C. GRCh37 (hg19) VCF-style: chr16-68853215-T-C.
Other names: c.1598T>C (NM_004360.3); c.1415T>C, p.Leu472Pro (NM_001317184.2); c.50T>C, p.Leu17Pro (NM_001317185.2); c.-254-2689T>C (NM_001317186.2); short protein forms L17P, L472P, L533P.
Identifiers: ClinVar variation 1001939 (VCV001001939.10), dbSNP rs1961074036, ClinGen allele CA396464985.